The following is an entry in ClinVar:

NM_001844.5(COL2A1):c.763-7C>A

Gene: COL2A1 (collagen type II alpha 1 chain; minus strand). Cytogenetic location: 12q13.11.
Variant type: single nucleotide variant.
Coding change: c.763-7C>A on transcript NM_001844.5 (MANE Select); 7 bases into the intron before coding-DNA position 763, C replaced by A.
Molecular consequence: intron variant.
Genome position (GRCh38, 1-based): chr12:47,994,484, G>T on the plus strand (C>A on the coding strand, the complement: COL2A1 is on the minus strand). VCF-style: chr12-47994484-G-T. GRCh37 (hg19) VCF-style: chr12-48388267-G-T.
Other names: c.556-7C>A (NM_033150.3).
Identifiers: ClinVar variation 515398 (VCV000515398.9), dbSNP rs762591076, ClinGen allele CA6535785.

ClinVar aggregate classification (germline): Likely benign. Review status: criteria provided, multiple submitters, no conflicts (2 of 4 stars). 3 submissions from 3 submitters: Likely benign (3). Last evaluated 2025-04-23.

Conditions:
COL2A1-related disorder. Also called: COL2A1-related condition; COL2A1-related disorders.

Allele frequency attached by ClinVar (database versions not stated): gnomAD exomes 0.00001 and 0.00006; ExAC 0.00003; gnomAD 0.00003; TOPMed 0.00006.

Submissions (3):

PreventionGenetics, part of Exact Sciences
Classification: Likely benign for COL2A1-related condition. Last evaluated: 2025-04-23. Review status: criteria provided, single submitter. Criteria: ACMG Guidelines, 2015. Collection method: clinical testing. Allele origin: germline.
Comment: This variant is classified as likely benign based on ACMG/AMP sequence variant interpretation guidelines (Richards et al. 2015 PMID: 25741868, with internal and published modifications).

Labcorp Genetics (formerly Invitae), Labcorp
Classification: Likely benign. Last evaluated: 2023-12-22. Review status: criteria provided, single submitter. Criteria: Invitae Variant Classification Sherloc (09022015). Collection method: clinical testing. Allele origin: germline.

GeneDx
Classification: Likely benign. Last evaluated: 2018-02-08. Review status: criteria provided, single submitter. Criteria: GeneDx Variant Classification (06012015). Collection method: clinical testing. Allele origin: germline. Affected: yes.
Comment: This variant is considered likely benign or benign based on one or more of the following criteria: it is a conservative change, it occurs at a poorly conserved position in the protein, it is predicted to be benign by multiple in silico algorithms, and/or has population frequency not consistent with disease.